The following is an entry in ClinVar:

ClinVar aggregate classification (germline): Uncertain significance (1 of 4 stars; one submission).

gnomAD v4.1: 2 of 1,614,074 alleles (0.00012%); highest among the groups gnomAD compares: Non-Finnish European, 0.00017%; no homozygotes.

Submission:

GeneDx
Classification: Uncertain significance. Last evaluated: 2024-11-21. Review status: criteria provided, single submitter. Criteria: GeneDx Variant Classification Process June 2021. Collection method: clinical testing. Allele origin: germline. Affected: yes.
Comment: Not observed at significant frequency in large population cohorts (gnomAD); In silico analysis supports that this missense variant has a deleterious effect on protein structure/function; Has not been previously published as pathogenic or benign to our knowledge

NM_001039469.3(MARK2):c.782G>A (p.Arg261Gln)

Gene: MARK2 (microtubule affinity regulating kinase 2; plus strand). Cytogenetic location: 11q13.1.
Variant type: single nucleotide variant.
Coding change: c.782G>A on transcript NM_001039469.3 (MANE Select); coding-DNA position 782, G replaced by A.
Protein change: p.Arg261Gln; replaces arginine 261 with glutamine.
Molecular consequence: missense variant.
Genome position (GRCh38, 1-based): chr11:63,900,572, G>A. VCF-style: chr11-63900572-G-A. GRCh37 (hg19) VCF-style: chr11-63668044-G-A.
Other names: c.782G>A, p.Arg261Gln (NM_001163296.2, NM_001163297.2, NM_004954.5); c.683G>A, p.Arg228Gln (NM_017490.4); short protein forms R228Q, R261Q.
Identifiers: ClinVar variation 3900124 (VCV003900124.1).